The following is an entry in ClinVar:

ClinVar aggregate classification (germline): Uncertain significance (0 of 4 stars; one submission).

Conditions:
MKS1-related disorder. Also called: MKS1-related condition; MKS1-related disorders. Identifiers: MedGen CN239382.

gnomAD v4.1: 5 of 1,551,090 alleles (0.00032%); highest among the groups gnomAD compares: Non-Finnish European, 0.00044%; no homozygotes.

Submission:

PreventionGenetics, part of Exact Sciences
Classification: Uncertain significance for MKS1-related condition. Last evaluated: 2024-06-24. Review status: no assertion criteria provided. Collection method: clinical testing. Allele origin: germline.
Comment: The MKS1 c.48C>T variant is not predicted to result in an amino acid change (p.=). This variant is predicted to create a cryptic donor splice site (SpliceAI, Jaganathan et al. 2019. PubMed ID: 30661751). To our knowledge, this variant has not been reported in the literature. This variant is reported in 0.0017% of alleles in individuals of European (Non-Finnish) descent in gnomAD. At this time, the clinical significance of this variant is uncertain due to the absence of conclusive functional and genetic evidence.

NM_017777.4(MKS1):c.48C>T (p.Arg16=)

Genes: MKS1 (MKS transition zone complex subunit 1; minus strand), LOC130061271 (ATAC-STARR-seq lymphoblastoid active region 12461; plus strand). Cytogenetic location: 17q22.
Variant type: single nucleotide variant.
Coding change: c.48C>T on transcript NM_017777.4 (MANE Select); coding-DNA position 48, C replaced by T.
Protein change: p.Arg16=; no amino-acid change (arginine 16 retained).
Molecular consequence: synonymous variant. On other transcripts: 5 prime UTR variant (1).
Genome position (GRCh38, 1-based): chr17:58,219,183, G>A on the plus strand (C>T on the coding strand, the complement: MKS1 is on the minus strand). VCF-style: chr17-58219183-G-A. GRCh37 (hg19) VCF-style: chr17-56296544-G-A.
Other names: c.-464C>T (NM_001321268.2); c.48C>T, p.Arg16= (NM_001321269.2, NM_001330397.2, NM_001411113.1).
Identifiers: ClinVar variation 3344215 (VCV003344215.1).